The following is an entry in ClinVar:

ClinVar aggregate classification (germline): Uncertain significance (1 of 4 stars; one submission).

Conditions:
Spinocerebellar ataxia, autosomal recessive, with axonal neuropathy 2 (SCAN2). Also called: ATAXIA-OCULOMOTOR APRAXIA 2; Ataxia-ocular apraxia-2; Ataxia with Oculomotor Apraxia; Ataxia with Oculomotor Apraxia Type 2. Identifiers: Orphanet 64753, MedGen C1853761, MONDO:0018996, OMIM 606002.
Amyotrophic lateral sclerosis type 4 (ALS4). Also called: NEURONOPATHY, DISTAL HEREDITARY MOTOR, WITH PYRAMIDAL FEATURES; AMYOTROPHIC LATERAL SCLEROSIS 4, JUVENILE. Identifiers: Orphanet 357043, MedGen C1865409, MONDO:0011223, OMIM 602433.

Submission:

Labcorp Genetics (formerly Invitae), Labcorp
Classification: Uncertain significance for Amyotrophic lateral sclerosis type 4; Spinocerebellar ataxia, autosomal recessive, with axonal neuropathy 2. Last evaluated: 2019-03-05. Review status: criteria provided, single submitter. Criteria: Invitae Variant Classification Sherloc (09022015). Collection method: clinical testing. Allele origin: germline.
Comment: This variant results in a copy number gain of the genomic region encompassing the full coding sequence of the SETX gene. The boundaries of this event are unknown as they extend beyond the assayed region for this gene and therefore may encompass additional genes. As the precise location of this event is unknown, it may be in tandem or it may be located elsewhere in the genome. This variant has not been reported in the literature in individuals with SETX-related conditions. Experimental studies and prediction algorithms are not available for this variant, and the functional significance of the affected amino acid(s) is currently unknown. In summary, the available evidence is currently insufficient to determine the role of this variant in disease. Therefore, it has been classified as a Variant of Uncertain Significance.

NC_000009.12:g.(?_132264229)_(132349438_?)dup

Gene: SETX (senataxin; minus strand). Cytogenetic location: 9q34.13.
Variant type: Duplication.
Identifiers: ClinVar variation 833364 (VCV000833364.7).